The following is an entry in ClinVar:

ClinVar aggregate classification (germline): Uncertain significance. Review status: criteria provided, multiple submitters, no conflicts (2 of 4 stars). 2 submissions from 2 submitters: Uncertain significance (2). Last evaluated 2024-03-27.

Allele frequency attached by ClinVar (database versions not stated): gnomAD exomes below 0.00001 and 0.00001; ExAC 0.00001; TOPMed 0.00001.
gnomAD v4.1: 20 of 1,612,460 alleles (0.0012%); highest among the groups gnomAD compares: Non-Finnish European, 0.0017%; no homozygotes.

Submissions (2):

Blueprint Genetics
Classification: Uncertain significance. Last evaluated: 2024-03-27. Review status: criteria provided, single submitter. Criteria: ACMG Guidelines, 2015. Collection method: clinical testing. Allele origin: germline.

Labcorp Genetics (formerly Invitae), Labcorp
Classification: Uncertain significance. Last evaluated: 2020-07-01. Review status: criteria provided, single submitter. Criteria: Invitae Variant Classification Sherloc (09022015). Collection method: clinical testing. Allele origin: germline.
Comment: In summary, the available evidence is currently insufficient to determine the role of this variant in disease. Therefore, it has been classified as a Variant of Uncertain Significance. Algorithms developed to predict the effect of missense changes on protein structure and function are either unavailable or do not agree on the potential impact of this missense change (SIFT: "Deleterious"; PolyPhen-2: "Benign"; Align-GVGD: "Class C0"). This variant has not been reported in the literature in individuals with CACNA2D4-related conditions. This variant is present in population databases (rs781005888, ExAC 0.002%). This sequence change replaces valine with methionine at codon 1067 of the CACNA2D4 protein (p.Val1067Met). The valine residue is weakly conserved and there is a small physicochemical difference between valine and methionine.

NM_172364.5(CACNA2D4):c.3199G>A (p.Val1067Met)

Gene: CACNA2D4 (calcium voltage-gated channel auxiliary subunit alpha2delta 4; minus strand). Cytogenetic location: 12p13.33.
Variant type: single nucleotide variant.
Coding change: c.3199G>A on transcript NM_172364.5 (MANE Select); coding-DNA position 3199, G replaced by A.
Protein change: p.Val1067Met; replaces valine 1067 with methionine.
Molecular consequence: missense variant.
Genome position (GRCh38, 1-based): chr12:1,795,695, C>T on the plus strand (G>A on the coding strand, the complement: CACNA2D4 is on the minus strand). VCF-style: chr12-1795695-C-T. GRCh37 (hg19) VCF-style: chr12-1904861-C-T.
Other names: short protein forms V1067M.
Identifiers: ClinVar variation 1052945 (VCV001052945.10), dbSNP rs781005888, ClinGen allele CA6386036.